The following is an entry in ClinVar:

ClinVar aggregate classification (germline): Uncertain significance. Review status: criteria provided, multiple submitters, no conflicts (2 of 4 stars). 2 submissions from 2 submitters: Uncertain significance (2). Last evaluated 2025-07-14.

Conditions:
Oculodentodigital dysplasia, autosomal recessive. Also called: OCULODENTOOSSEOUS DYSPLASIA, AUTOSOMAL RECESSIVE; ODDD, AUTOSOMAL RECESSIVE; ODOD, AUTOSOMAL RECESSIVE. Identifiers: Orphanet 2710, MedGen C2749477, MONDO:0009768, OMIM 257850.

Submissions (2):

Labcorp Genetics (formerly Invitae), Labcorp
Classification: Uncertain significance for Oculodentodigital dysplasia, autosomal recessive. Last evaluated: 2025-07-14. Review status: criteria provided, single submitter. Criteria: Invitae Variant Classification Sherloc (09022015). Collection method: clinical testing. Allele origin: germline.
Comment: This sequence change replaces isoleucine, which is neutral and non-polar, with valine, which is neutral and non-polar, at codon 176 of the GJA1 protein (p.Ile176Val). This variant is not present in population databases (gnomAD no frequency). This variant has not been reported in the literature in individuals affected with GJA1-related conditions. ClinVar contains an entry for this variant (Variation ID: 237121). An algorithm developed to predict the effect of missense changes on protein structure and function outputs the following: PolyPhen-2: "Benign". The valine amino acid residue is found in multiple mammalian species, which suggests that this missense change does not adversely affect protein function. In summary, the available evidence is currently insufficient to determine the role of this variant in disease. Therefore, it has been classified as a Variant of Uncertain Significance.

GeneDx
Classification: Uncertain significance. Last evaluated: 2022-04-18. Review status: criteria provided, single submitter. Criteria: GeneDx Variant Classification Process June 2021. Collection method: clinical testing. Allele origin: germline. Affected: yes.
Comment: In silico analysis supports that this missense variant does not alter protein structure/function; Not observed at significant frequency in large population cohorts (gnomAD); Has not been previously published as pathogenic or benign to our knowledge

NM_000165.5(GJA1):c.526A>G (p.Ile176Val)

Gene: GJA1 (gap junction protein alpha 1; plus strand). Cytogenetic location: 6q22.31.
Variant type: single nucleotide variant.
Coding change: c.526A>G on transcript NM_000165.5 (MANE Select); coding-DNA position 526, A replaced by G.
Protein change: p.Ile176Val; replaces isoleucine 176 with valine.
Molecular consequence: missense variant.
Genome position (GRCh38, 1-based): chr6:121,447,373, A>G. VCF-style: chr6-121447373-A-G. GRCh37 (hg19) VCF-style: chr6-121768519-A-G.
Other names: short protein forms I176V.
Identifiers: ClinVar variation 237121 (VCV000237121.10), dbSNP rs878853696, ClinGen allele CA10582442.